The following is an entry in ClinVar:

NM_001267550.2(TTN):c.59626+10T>G

Genes: TTN (titin; minus strand), TTN-AS1 (TTN antisense RNA 1; plus strand), LOC126806424 (CDK7 strongly-dependent group 2 enhancer GRCh37_chr2:179456337-179457536; plus strand). Cytogenetic location: 2q31.2.
Variant type: single nucleotide variant.
Coding change: c.59626+10T>G on transcript NM_001267550.2 (MANE Select); 10 bases into the intron after coding-DNA position 59626, T replaced by G.
Molecular consequence: intron variant.
Genome position (GRCh38, 1-based): chr2:178,592,369, A>C on the plus strand (T>G on the coding strand, the complement: TTN is on the minus strand). VCF-style: chr2-178592369-A-C. GRCh37 (hg19) VCF-style: chr2-179457096-A-C.
Other names: c.32431+10T>G (NM_003319.4); c.33007+10T>G (NM_133437.4); c.32806+10T>G (NM_133432.3); c.51922+10T>G (NM_133378.4); c.54703+10T>G (NM_001256850.1).
Identifiers: ClinVar variation 681373 (VCV000681373.10), dbSNP rs1576122744, ClinGen allele CA915942222.
Genomic context (GRCh38, chr2:178,592,369, plus strand): 5'-AATTTTATCCATATAAGAGCTCAAAATTATCAAAATTTATTTTTAATGGCCTAAGTAGTA[A>C]AATTCTTACCTAATACAAGTACTTTTACTGAGACAGTTTTTGAACCAGCTGGATTCTCCA-3'

ClinVar aggregate classification (germline): Likely benign. Review status: criteria provided, multiple submitters, no conflicts (2 of 4 stars). 2 submissions from 2 submitters: Likely benign (2). Last evaluated 2020-09-15.

Conditions:
Dilated cardiomyopathy 1G (CMD1G). Identifiers: Orphanet 154, MedGen C1858763, MONDO:0011400, OMIM 604145.
Autosomal recessive limb-girdle muscular dystrophy type 2J (LGMDR10). Also called: MUSCULAR DYSTROPHY, LIMB-GIRDLE, AUTOSOMAL RECESSIVE 10; Limb-girdle muscular dystrophy, type 2J. Identifiers: Orphanet 140922, MedGen C1837342, MONDO:0012127, OMIM 608807.

Allele frequency attached by ClinVar (database versions not stated): TOPMed below 0.00001; gnomAD 0.00001.
gnomAD v4.1: 1 of 1,607,940 alleles (0.000062%); highest among the groups gnomAD compares: Non-Finnish European, 0.000085%; no homozygotes.

Submissions (2):

Labcorp Genetics (formerly Invitae), Labcorp
Classification: Likely benign for Dilated cardiomyopathy 1G; Autosomal recessive limb-girdle muscular dystrophy type 2J. Last evaluated: 2020-09-15. Review status: criteria provided, single submitter. Criteria: Invitae Variant Classification Sherloc (09022015). Collection method: clinical testing. Allele origin: germline.

GeneDx
Classification: Likely benign. Last evaluated: 2018-03-22. Review status: criteria provided, single submitter. Criteria: GeneDx Variant Classification (06012015). Collection method: clinical testing. Allele origin: germline. Affected: yes.
Comment: This variant is considered likely benign or benign based on one or more of the following criteria: it is a conservative change, it occurs at a poorly conserved position in the protein, it is predicted to be benign by multiple in silico algorithms, and/or has population frequency not consistent with disease.